The following is an entry in ClinVar:

NM_000888.5(ITGB6):c.1188C>T (p.Asn396=)

Gene: ITGB6 (integrin subunit beta 6; minus strand). Cytogenetic location: 2q24.2.
Variant type: single nucleotide variant.
Coding change: c.1188C>T on transcript NM_000888.5 (MANE Select); coding-DNA position 1188, C replaced by T.
Protein change: p.Asn396=; no amino-acid change (asparagine 396 retained).
Molecular consequence: synonymous variant.
Genome position (GRCh38, 1-based): chr2:160,138,119, G>A on the plus strand (C>T on the coding strand, the complement: ITGB6 is on the minus strand). VCF-style: chr2-160138119-G-A. GRCh37 (hg19) VCF-style: chr2-160994630-G-A.
Other names: c.1188C>T, p.Asn396= (NM_001282353.2, NM_001282355.2); c.903C>T, p.Asn301= (NM_001282354.2); c.1062C>T, p.Asn354= (NM_001282388.2); c.969C>T, p.Asn323= (NM_001282389.2); c.774C>T, p.Asn258= (NM_001282390.2).
Identifiers: ClinVar variation 715947 (VCV000715947.5), dbSNP rs147650138, ClinGen allele CA1929290.
Genomic context (GRCh38, chr2:160,138,119, plus strand): 5'-ACTTACTGTGTCTCCCACTTTCATGTGAGAGCATTTCTTTTGGTGTTGGAAGAGGGTACC[G>A]TTGTTACAGATGGCTGTAAATGACAAGTTGAGTCCTTCAGTGTCTCCTAATACTTCCAGT-3'
Protein context (NP_000879.2, residues 386-406): LNLSFTAICN[Asn396=]GTLFQHQKKC

ClinVar aggregate classification (germline): Benign. Review status: criteria provided, single submitter (1 of 4 stars). 2 submissions from 2 submitters: Benign (1). 1 of the submissions does not count toward it. Last evaluated 2018-03-29.

Conditions:
ITGB6-related disorder. Also called: ITGB6-related condition.

Allele frequency attached by ClinVar (database versions not stated): TOPMed 0.00019; ESP Exome Variant Server 0.00046; gnomAD exomes 0.00088 and 0.00146; 1000 Genomes Project 30x 0.00094; 1000 Genomes Project 0.00120; gnomAD 0.00131; ExAC 0.00133.
gnomAD v4.1: 1,468 of 1,613,934 alleles (0.091%); highest among the groups gnomAD compares: East Asian, 0.87%; 7 homozygotes.

Submissions (2):

Labcorp Genetics (formerly Invitae), Labcorp
Classification: Benign. Last evaluated: 2018-03-29. Review status: criteria provided, single submitter. Criteria: Invitae Variant Classification Sherloc (09022015). Collection method: clinical testing. Allele origin: germline.

PreventionGenetics, part of Exact Sciences
Classification: Benign for ITGB6-related condition. Last evaluated: 2019-12-13. Review status: no assertion criteria provided. Collection method: clinical testing. Allele origin: germline. Not counted in ClinVar's aggregate classification.
Comment: This variant is classified as benign based on ACMG/AMP sequence variant interpretation guidelines (Richards et al. 2015 PMID: 25741868, with internal and published modifications).